The following is an entry in ClinVar:

ClinVar aggregate classification (germline): Benign (1 of 4 stars; one submission).

Conditions:
Peutz-Jeghers syndrome (PJS). Also called: POLYPOSIS, HAMARTOMATOUS INTESTINAL; POLYPS-AND-SPOTS SYNDROME; Peutz-Jeghers polyposis; Periorificial lentiginosis syndrome. Identifiers: Orphanet 2869, MedGen C0031269, MeSH D010580, MONDO:0008280, OMIM 175200.

Submission:

Myriad Genetics, Inc.
Classification: Benign for Peutz-Jeghers syndrome. Last evaluated: 2025-03-27. Review status: criteria provided, single submitter. Criteria: Myriad Autosomal Dominant, Autosomal Recessive and X-Linked Classification Criteria (2023). Collection method: clinical testing. Allele origin: unknown.
Comment: This variant is considered benign. This variant is a silent/synonymous amino acid change and it is not expected to impact splicing.

NM_000455.5(STK11):c.768A>G (p.Glu256=)

Gene: STK11 (serine/threonine kinase 11; plus strand). Cytogenetic location: 19p13.3.
Variant type: single nucleotide variant.
Coding change: c.768A>G on transcript NM_000455.5 (MANE Select); coding-DNA position 768, A replaced by G.
Protein change: p.Glu256=; no amino-acid change (glutamic acid 256 retained).
Molecular consequence: synonymous variant. On other transcripts: non-coding transcript variant (1).
Genome position (GRCh38, 1-based): chr19:1,221,246, A>G. VCF-style: chr19-1221246-A-G. GRCh37 (hg19) VCF-style: chr19-1221245-A-G.
Other names: c.768A>G, p.Glu256= (NM_001407255.1).
Identifiers: ClinVar variation 3903779 (VCV003903779.1).
Genomic context (GRCh38, chr19:1,221,246, plus strand): 5'-CCTTTCTTCCCTCCCCTCGAAATGAAGCTACAACATCACCACGGGTCTGTACCCCTTCGA[A>G]GGGGACAACATCTACAAGTTGTTTGAGAACATCGGGAAGGGGAGCTACGCCATCCCGGGC-3'
Protein context (NP_000446.1, residues 246-266): YNITTGLYPF[Glu256=]GDNIYKLFEN